The following is an entry in ClinVar:

NM_053025.4(MYLK):c.601C>T (p.Leu201=)

Gene: MYLK (myosin light chain kinase; minus strand). Cytogenetic location: 3q21.1.
Variant type: single nucleotide variant.
Coding change: c.601C>T on transcript NM_053025.4 (MANE Select); coding-DNA position 601, C replaced by T.
Protein change: p.Leu201=; no amino-acid change (leucine 201 retained).
Molecular consequence: synonymous variant.
Genome position (GRCh38, 1-based): chr3:123,737,531, G>A on the plus strand (C>T on the coding strand, the complement: MYLK is on the minus strand). VCF-style: chr3-123737531-G-A. GRCh37 (hg19) VCF-style: chr3-123456378-G-A.
Other names: c.73C>T, p.Leu25= (NM_001321309.2); c.601C>T, p.Leu201= (NM_053026.4, NM_053027.4, NM_053028.4).
Identifiers: ClinVar variation 342903 (VCV000342903.23), dbSNP rs773082759, ClinGen allele CA073347.

ClinVar aggregate classification (germline): Conflicting classifications of pathogenicity. Review status: criteria provided, conflicting classifications (1 of 4 stars). 7 submissions from 7 submitters: Uncertain significance (2); Benign (2); Likely benign (2). 1 of the submissions does not count toward it. Last evaluated 2026-02-02.

Conditions:
MYLK-related disorder. Also called: MYLK-related condition.
Familial thoracic aortic aneurysm and aortic dissection (TAAD). Also called: Thoracic aortic aneurysms and dissections. Identifiers: Orphanet 91387, MedGen C4707243, MONDO:0019625.
Aortic aneurysm, familial thoracic 7 (AAT7). Also called: AORTIC DISSECTION, FAMILIAL, WITH OR WITHOUT AORTIC ANEURYSM. Identifiers: MedGen C3151077, MONDO:0013418, OMIM 613780.

Allele frequency attached by ClinVar (database versions not stated): gnomAD exomes 0.00005 and 0.00025; gnomAD 0.00007; TOPMed 0.00015; ExAC 0.00017.
gnomAD v4.1: 78 of 1,614,066 alleles (0.0048%); highest among the groups gnomAD compares: East Asian, 0.16%; no homozygotes.

Submissions (7):

Labcorp Genetics (formerly Invitae), Labcorp
Classification: Benign for Aortic aneurysm, familial thoracic 7. Last evaluated: 2026-02-02. Review status: criteria provided, single submitter. Criteria: Invitae Variant Classification Sherloc (09022015). Collection method: clinical testing. Allele origin: germline.

Ambry Genetics
Classification: Likely benign for Familial thoracic aortic aneurysm and aortic dissection. Last evaluated: 2025-08-25. Review status: criteria provided, single submitter. Criteria: Ambry Variant Classification Scheme 2023. Collection method: clinical testing. Allele origin: germline.

Blueprint Genetics
Classification: Likely benign. Last evaluated: 2024-06-24. Review status: criteria provided, single submitter. Criteria: ACMG Guidelines, 2015. Collection method: clinical testing. Allele origin: germline.

CHEO Genetics Diagnostic Laboratory, Children's Hospital of Eastern Ontario
Classification: Benign for Familial thoracic aortic aneurysm and aortic dissection. Last evaluated: 2023-06-20. Review status: criteria provided, single submitter. Criteria: ACMG Guidelines, 2015. Collection method: clinical testing. Allele origin: germline.

GeneDx
Classification: Uncertain significance. Last evaluated: 2022-11-04. Review status: criteria provided, single submitter. Criteria: GeneDx Variant Classification Process June 2021. Collection method: clinical testing. Allele origin: germline. Affected: yes.
Comment: Has not been previously published as pathogenic or benign to our knowledge; In silico analysis suggests this variant may impact gene splicing. In the absence of RNA/functional studies, the actual effect of this sequence change is unknown.

Illumina Laboratory Services, Illumina
Classification: Uncertain significance for Aortic aneurysm, familial thoracic 7. Last evaluated: 2018-01-12. Review status: criteria provided, single submitter. Criteria: ICSL Variant Classification Criteria 13 December 2019. Collection method: clinical testing. Allele origin: germline.

PreventionGenetics, part of Exact Sciences
Classification: Likely benign for MYLK-related condition. Last evaluated: 2019-10-28. Review status: no assertion criteria provided. Collection method: clinical testing. Allele origin: germline. Not counted in ClinVar's aggregate classification.
Comment: This variant is classified as likely benign based on ACMG/AMP sequence variant interpretation guidelines (Richards et al. 2015 PMID: 25741868, with internal and published modifications).